The following is an entry in ClinVar:

ClinVar aggregate classification (germline): Uncertain significance. Review status: criteria provided, multiple submitters, no conflicts (2 of 4 stars). 2 submissions from 2 submitters: Uncertain significance (2). Last evaluated 2025-12-19.

Conditions:
Breast-ovarian cancer, familial, susceptibility to, 3. Also called: RAD51C-Related Breast/Ovarian Cancer. Identifiers: Orphanet 145, MedGen C3150659, MONDO:0013253, OMIM 613399.
Fanconi anemia complementation group O. Also called: RAD51C-Related Fanconi Anemia. Identifiers: Orphanet 84, MedGen C3150653, MONDO:0013248, OMIM 613390.

Allele frequency attached by ClinVar (database versions not stated): gnomAD exomes below 0.00001.
gnomAD v4.1: 6 of 1,613,460 alleles (0.00037%); highest among the groups gnomAD compares: Non-Finnish European, 0.00051%; no homozygotes.

Submissions (2):

Labcorp Genetics (formerly Invitae), Labcorp
Classification: Uncertain significance for Fanconi anemia complementation group O. Last evaluated: 2025-12-19. Review status: criteria provided, single submitter. Criteria: Invitae Variant Classification Sherloc (09022015). Collection method: clinical testing. Allele origin: germline.
Comment: This sequence change replaces serine, which is neutral and polar, with threonine, which is neutral and polar, at codon 331 of the RAD51C protein (p.Ser331Thr). This variant is not present in population databases (gnomAD no frequency). This variant has not been reported in the literature in individuals affected with RAD51C-related conditions. ClinVar contains an entry for this variant (Variation ID: 2977519). Invitae Evidence Modeling of protein sequence and biophysical properties (such as structural, functional, and spatial information, amino acid conservation, physicochemical variation, residue mobility, and thermodynamic stability) indicates that this missense variant is not expected to disrupt RAD51C protein function with a negative predictive value of 80%. In summary, the available evidence is currently insufficient to determine the role of this variant in disease. Therefore, it has been classified as a Variant of Uncertain Significance.

Department of Pathology and Laboratory Medicine, Sinai Health System
Classification: Uncertain significance for Breast-ovarian cancer, familial, susceptibility to, 3. Last evaluated: 2023-02-17. Review status: criteria provided, single submitter. Criteria: ACMG Guidelines, 2015. Collection method: clinical testing. Allele origin: germline. Affected: yes.

NM_058216.3(RAD51C):c.992G>C (p.Ser331Thr)

Gene: RAD51C (RAD51 paralog C; plus strand). Cytogenetic location: 17q22.
Variant type: single nucleotide variant.
Coding change: c.992G>C on transcript NM_058216.3 (MANE Select); coding-DNA position 992, G replaced by C.
Protein change: p.Ser331Thr; replaces serine 331 with threonine.
Molecular consequence: missense variant. On other transcripts: non-coding transcript variant (1).
Genome position (GRCh38, 1-based): chr17:58,732,510, G>C. VCF-style: chr17-58732510-G-C. GRCh37 (hg19) VCF-style: chr17-56809871-G-C.
Other names: c.992G>C (NM_058216.2); c.*420G>C (NM_058217.1); short protein forms S331T.
Identifiers: ClinVar variation 2977519 (VCV002977519.4), dbSNP rs786202681, ClinGen allele CA400364960.